The following is an entry in ClinVar:

ClinVar aggregate classification (germline): Likely benign. Review status: criteria provided, multiple submitters, no conflicts (2 of 4 stars). 2 submissions from 2 submitters: Likely benign (2). Last evaluated 2025-12-01.

Allele frequency attached by ClinVar (database versions not stated): ExAC 0.00015; gnomAD 0.00027 and 0.00028; TOPMed 0.00035; ESP Exome Variant Server 0.00046; 1000 Genomes Project 0.00060; 1000 Genomes Project 30x 0.00078.
gnomAD v4.1: 100 of 1,613,922 alleles (0.0062%); highest among the groups gnomAD compares: African/African-American, 0.099%; no homozygotes.

Submissions (2):

Labcorp Genetics (formerly Invitae), Labcorp
Classification: Likely benign. Last evaluated: 2025-12-01. Review status: criteria provided, single submitter. Criteria: Invitae Variant Classification Sherloc (09022015). Collection method: clinical testing. Allele origin: germline.

CeGaT Center for Human Genetics Tuebingen
Classification: Likely benign. Last evaluated: 2024-08-01. Review status: criteria provided, single submitter. Criteria: CeGaT Center For Human Genetics Tuebingen Variant Classification Criteria Version 2. Collection method: clinical testing. Allele origin: germline. Affected: yes. Observed: 1 variant allele.
Comment: TAF2: BP4, BP7

NM_003184.4(TAF2):c.2502C>T (p.Thr834=)

Gene: TAF2 (TATA-box binding protein associated factor 2; minus strand). Cytogenetic location: 8q24.12.
Variant type: single nucleotide variant.
Coding change: c.2502C>T on transcript NM_003184.4 (MANE Select); coding-DNA position 2502, C replaced by T.
Protein change: p.Thr834=; no amino-acid change (threonine 834 retained).
Molecular consequence: synonymous variant.
Genome position (GRCh38, 1-based): chr8:119,762,471, G>A on the plus strand (C>T on the coding strand, the complement: TAF2 is on the minus strand). VCF-style: chr8-119762471-G-A. GRCh37 (hg19) VCF-style: chr8-120774711-G-A.
Identifiers: ClinVar variation 1456722 (VCV001456722.24), dbSNP rs143004155, ClinGen allele CA4857062.